The following is an entry in ClinVar:

NM_001365536.1(SCN9A):c.3502G>T (p.Val1168Phe)

Genes: SCN9A (sodium voltage-gated channel alpha subunit 9; minus strand), SCN1A-AS1 (SCN1A and SCN9A antisense RNA 1; plus strand). Cytogenetic location: 2q24.3.
Variant type: single nucleotide variant.
Coding change: c.3502G>T on transcript NM_001365536.1 (MANE Select); coding-DNA position 3502, G replaced by T.
Protein change: p.Val1168Phe; replaces valine 1168 with phenylalanine.
Molecular consequence: missense variant.
Genome position (GRCh38, 1-based): chr2:166,242,627, C>A on the plus strand (G>T on the coding strand, the complement: SCN9A is on the minus strand). VCF-style: chr2-166242627-C-A. GRCh37 (hg19) VCF-style: chr2-167099137-C-A.
Other names: c.3469G>T, p.Val1157Phe (NM_002977.4); short protein forms V1157F, V1168F.
Identifiers: ClinVar variation 471115 (VCV000471115.9), dbSNP rs1467872202, ClinGen allele CA349070643.
Genomic context (GRCh38, chr2:166,242,627, plus strand): 5'-TCTTGTAGCAGGTTTTCCTGATGTTCCACCAGATTTTTCCTTTCCCTGACTCTATGTTAA[C>A]TTGGCAGCATGAGAACCTCCATACACAACCTGACAAGAAAGACATGCATGTTAAATCTTG-3'
Protein context (NP_001352465.1, residues 1158-1178): GCVWRFSCCQ[Val1168Phe]NIESGKGKIW

ClinVar aggregate classification (germline): Uncertain significance (1 of 4 stars; one submission).

Conditions:
Neuropathy, hereditary sensory and autonomic, type 2A (HSAN2A). Also called: ACROOSTEOLYSIS, NEUROGENIC; ACROOSTEOLYSIS, GIACCAI TYPE; MORVAN DISEASE; NEUROPATHY, CONGENITAL SENSORY; NEUROPATHY, HEREDITARY SENSORY RADICULAR, AUTOSOMAL RECESSIVE; NEUROPATHY, HEREDITARY SENSORY, TYPE IIA. Identifiers: Orphanet 970, MedGen C2752089, MONDO:0024309, OMIM 201300.
Generalized epilepsy with febrile seizures plus, type 7 (GEFSP7). Also called: GEFS+, TYPE 7. Identifiers: Orphanet 36387, MedGen C2751778, MONDO:0013470, OMIM 613863.

Allele frequency attached by ClinVar (database versions not stated): gnomAD exomes below 0.00001 and 0.00001.
gnomAD v4.1: 1 of 1,552,460 alleles (0.000064%); highest among the groups gnomAD compares: Admixed American, 0.002%; no homozygotes.

Submission:

Labcorp Genetics (formerly Invitae), Labcorp
Classification: Uncertain significance for Neuropathy, hereditary sensory and autonomic, type 2A; Generalized epilepsy with febrile seizures plus, type 7. Last evaluated: 2022-06-20. Review status: criteria provided, single submitter. Criteria: Invitae Variant Classification Sherloc (09022015). Collection method: clinical testing. Allele origin: germline.
Comment: This variant has not been reported in the literature in individuals affected with SCN9A-related conditions. ClinVar contains an entry for this variant (Variation ID: 471115). Algorithms developed to predict the effect of missense changes on protein structure and function are either unavailable or do not agree on the potential impact of this missense change (SIFT: "Tolerated"; PolyPhen-2: "Probably Damaging"; Align-GVGD: "Class C0"). In summary, the available evidence is currently insufficient to determine the role of this variant in disease. Therefore, it has been classified as a Variant of Uncertain Significance. The frequency data for this variant in the population databases is considered unreliable, as metrics indicate poor data quality at this position in the gnomAD database. This sequence change replaces valine, which is neutral and non-polar, with phenylalanine, which is neutral and non-polar, at codon 1157 of the SCN9A protein (p.Val1157Phe).